The following is an entry in ClinVar:

NM_206933.4(USH2A):c.15052+8A>G

Gene: USH2A (usherin; minus strand). Cytogenetic location: 1q41.
Variant type: single nucleotide variant.
Coding change: c.15052+8A>G on transcript NM_206933.4 (MANE Select); 8 bases into the intron after coding-DNA position 15052, A replaced by G.
Molecular consequence: intron variant.
Genome position (GRCh38, 1-based): chr1:215,639,147, T>C on the plus strand (A>G on the coding strand, the complement: USH2A is on the minus strand). VCF-style: chr1-215639147-T-C. GRCh37 (hg19) VCF-style: chr1-215812489-T-C.
Identifiers: ClinVar variation 489343 (VCV000489343.5), dbSNP rs773109018, ClinGen allele CA1392825.
Genomic context (GRCh38, chr1:215,639,147, plus strand): 5'-ACAAACATATGTGTGTTTCTTGAGGAAGATGAATAGGTGCTACGCCAAGTATAATATGAG[T>C]TGTTTACCAAGTCCAGTAGAGGTATCATATTGGATCAACGGCGTCTTAACACTTCCTTCG-3'

ClinVar aggregate classification (germline): Conflicting classifications of pathogenicity. Review status: criteria provided, conflicting classifications (1 of 4 stars). 2 submissions from 2 submitters: Uncertain significance (1); Likely benign (1). Last evaluated 2025-03-17.

Allele frequency attached by ClinVar (database versions not stated): ExAC 0.00001; gnomAD 0.00001; gnomAD exomes 0.00001; TOPMed below 0.00001.
gnomAD v4.1: 14 of 1,613,776 alleles (0.00087%); highest among the groups gnomAD compares: Non-Finnish European, 0.0012%; no homozygotes.

Submissions (2):

Labcorp Genetics (formerly Invitae), Labcorp
Classification: Likely benign. Last evaluated: 2025-03-17. Review status: criteria provided, single submitter. Criteria: Invitae Variant Classification Sherloc (09022015). Collection method: clinical testing. Allele origin: germline.

GeneDx
Classification: Uncertain significance. Last evaluated: 2018-01-31. Review status: criteria provided, single submitter. Criteria: GeneDx Variant Classification (06012015). Collection method: clinical testing. Allele origin: germline. Affected: yes.
Comment: The c.15052+8 A>G variant has not been published as a pathogenic variant, nor has it been reported as a benign variant to our knowledge. The variant is not observed at a significant frequency in large population cohorts (Lek et al., 2016). An in silico splice prediction model predicts that c.15052+8 A>G may create a cryptic donor site which may supplant the natural donor site and lead to abnormal gene splicing. However, in the absence of RNA/functional studies, the actual effect of this sequence change in this individual is unknown. Therefore, based on the currently available information, it is unclear whether this variant is a pathogenic variant or a rare benign variant.